The following is an entry in ClinVar:

NM_005045.4(RELN):c.7530C>T (p.Pro2510=)

Gene: RELN (reelin; minus strand). Cytogenetic location: 7q22.1.
Variant type: single nucleotide variant.
Coding change: c.7530C>T on transcript NM_005045.4 (MANE Select); coding-DNA position 7530, C replaced by T.
Protein change: p.Pro2510=; no amino-acid change (proline 2510 retained).
Molecular consequence: synonymous variant.
Genome position (GRCh38, 1-based): chr7:103,522,160, G>A on the plus strand (C>T on the coding strand, the complement: RELN is on the minus strand). VCF-style: chr7-103522160-G-A. GRCh37 (hg19) VCF-style: chr7-103162607-G-A.
Other names: p.P2510P:CCC>CCT; p.Pro2510=; c.7530C>T, p.Pro2510= (NM_173054.3).
Identifiers: ClinVar variation 130141 (VCV000130141.24), dbSNP rs2075038, ClinGen allele CA154939.

ClinVar aggregate classification (germline): Benign. Review status: criteria provided, multiple submitters, no conflicts (2 of 4 stars). 10 submissions from 10 submitters: Benign (8). 2 of the submissions do not count toward it. Last evaluated 2026-02-03.

Conditions:
Norman-Roberts syndrome (LIS2). Also called: Lissencephaly 2 (Norman-Roberts type). Identifiers: Orphanet 89844, MedGen C0796089, MONDO:0009760, OMIM 257320.
Familial temporal lobe epilepsy 7. Identifiers: Orphanet 101046, MedGen C4225327, MONDO:0014639, OMIM 616436.

Allele frequency attached by ClinVar (database versions not stated): ESP Exome Variant Server 0.03398; gnomAD 0.03404 and 0.03797; TOPMed 0.03689; gnomAD exomes 0.04211 and 0.05342; ExAC 0.05423; 1000 Genomes Project 30x 0.05621; 1000 Genomes Project 0.05911.
gnomAD v4.1: 67,759 of 1,613,916 alleles (4.2%); highest among the groups gnomAD compares: South Asian, 14%; 2,145 homozygotes.

Submissions (10):

Labcorp Genetics (formerly Invitae), Labcorp
Classification: Benign for Familial temporal lobe epilepsy 7; Norman-Roberts syndrome. Last evaluated: 2026-02-03. Review status: criteria provided, single submitter. Criteria: Invitae Variant Classification Sherloc (09022015). Collection method: clinical testing. Allele origin: germline.

Blueprint Genetics
Classification: Benign. Last evaluated: 2024-11-27. Review status: criteria provided, single submitter. Criteria: ACMG Guidelines, 2015. Collection method: clinical testing. Allele origin: germline.

Mayo Clinic Laboratories, Mayo Clinic
Classification: Benign. Last evaluated: 2018-04-10. Review status: criteria provided, single submitter. Criteria: ACMG Guidelines, 2015. Collection method: clinical testing. Allele origin: germline. Observed: 45 variant alleles.

Illumina Laboratory Services, Illumina
Classification: Benign for Norman-Roberts syndrome. Last evaluated: 2018-01-12. Review status: criteria provided, single submitter. Criteria: ICSL Variant Classification Criteria 13 December 2019. Collection method: clinical testing. Allele origin: germline.
Comment: This variant was observed in the ICSL laboratory as part of a predisposition screen in an ostensibly healthy population. It had not been previously curated by ICSL or reported in the Human Gene Mutation Database (HGMD: prior to June 1st, 2018), and was therefore a candidate for classification through an automated scoring system. Utilizing variant allele frequency, disease prevalence and penetrance estimates, and inheritance mode, an automated score was calculated to assess if this variant is too frequent to cause the disease. Based on the score and internal cut-off values, a variant classified as benign is not then subjected to further curation. The score for this variant resulted in a classification of benign for this disease.

GeneDx
Classification: Benign. Last evaluated: 2014-03-31. Review status: criteria provided, single submitter. Criteria: GeneDx Variant Classification (06012015). Collection method: clinical testing. Allele origin: germline. Affected: yes.
Comment: This variant is considered likely benign or benign based on one or more of the following criteria: it is a conservative change, it occurs at a poorly conserved position in the protein, it is predicted to be benign by multiple in silico algorithms, and/or has population frequency not consistent with disease.

Genetic Services Laboratory, University of Chicago
Classification: Benign for AllHighlyPenetrant. Last evaluated: 2013-04-25. Review status: criteria provided, single submitter. Criteria: ACMG Guidelines, 2007. Collection method: clinical testing. Allele origin: germline. Inheritance: Autosomal recessive inheritance.

Breakthrough Genomics
Classification: Benign. Review status: criteria provided, single submitter. Criteria: ACMG Guidelines, 2015. Collection method: not provided. Allele origin: germline. Inheritance: Autosomal recessive inheritance. Affected: yes.

PreventionGenetics, part of Exact Sciences
Classification: Benign. Review status: criteria provided, single submitter. Criteria: ACMG Guidelines, 2015. Collection method: clinical testing. Allele origin: germline.

Clinical Genetics DNA and cytogenetics Diagnostics Lab, Erasmus MC, Erasmus Medical Center
Classification: Benign. Review status: no assertion criteria provided. Collection method: clinical testing. Allele origin: germline. Affected: yes. Study: VKGL Data-share Consensus. Not counted in ClinVar's aggregate classification.

Clinical Genetics, Academic Medical Center
Classification: Benign. Review status: no assertion criteria provided. Collection method: clinical testing. Allele origin: germline. Affected: yes. Study: VKGL Data-share Consensus. Not counted in ClinVar's aggregate classification.